The following is an entry in ClinVar:

NM_000016.6(ACADM):c.970G>A (p.Ala324Thr)

Gene: ACADM (acyl-CoA dehydrogenase medium chain; plus strand). Cytogenetic location: 1p31.1.
Variant type: single nucleotide variant.
Coding change: c.970G>A on transcript NM_000016.6 (MANE Select); coding-DNA position 970, G replaced by A.
Protein change: p.Ala324Thr; replaces alanine 324 with threonine.
Molecular consequence: missense variant.
Genome position (GRCh38, 1-based): chr1:75,761,146, G>A. VCF-style: chr1-75761146-G-A. GRCh37 (hg19) VCF-style: chr1-76226831-G-A.
Other names: c.982G>A, p.Ala328Thr (NM_001127328.3); c.862G>A, p.Ala288Thr (NM_001286042.2); c.1069G>A, p.Ala357Thr (NM_001286043.2); c.403G>A, p.Ala135Thr (NM_001286044.2); short protein forms A135T, A288T, A324T, A328T, A357T.
Identifiers: ClinVar variation 3769315 (VCV003769315.2).

ClinVar aggregate classification (germline): Uncertain significance (1 of 4 stars; one submission).

Submission:

Women's Health and Genetics/Laboratory Corporation of America, LabCorp
Classification: Uncertain significance. Last evaluated: 2025-01-02. Review status: criteria provided, single submitter. Criteria: LabCorp Variant Classification Summary - May 2015. Collection method: clinical testing. Allele origin: germline.
Comment: Variant summary: ACADM c.970G>A (p.Ala324Thr) results in a non-conservative amino acid change in the encoded protein sequence. Five of five in-silico tools predict a damaging effect of the variant on protein function. The variant was absent in 251268 control chromosomes (gnomAD). The available data on variant occurrences in the general population are insufficient to allow any conclusion about variant significance. c.970G>A has been reported in the literature in an individual(s) affected with Medium Chain Acyl-CoA Dehydrogenase Deficiency (e.g. Li_2022). These data do not allow any conclusion about variant significance. To our knowledge, no experimental evidence demonstrating an impact on protein function has been reported. The following publications have been ascertained in the context of this evaluation (PMID: 31737040, 36068006). No submitters have cited clinical-significance assessments for this variant to ClinVar. Based on the evidence outlined above, the variant was classified as uncertain significance.

Literature cited by the submitters: PubMed 31737040; PubMed 36068006.